The following is an entry in ClinVar:

ClinVar aggregate classification (germline): Likely pathogenic (1 of 4 stars; one submission).

Submission:

Labcorp Genetics (formerly Invitae), Labcorp
Classification: Likely pathogenic. Last evaluated: 2023-09-28. Review status: criteria provided, single submitter. Criteria: Invitae Variant Classification Sherloc (09022015). Collection method: clinical testing. Allele origin: germline.
Comment: In summary, the currently available evidence indicates that the variant is pathogenic, but additional data are needed to prove that conclusively. Therefore, this variant has been classified as Likely Pathogenic. Algorithms developed to predict the effect of sequence changes on RNA splicing suggest that this variant may disrupt the consensus splice site. This variant is not present in population databases (gnomAD no frequency). This sequence change affects an acceptor splice site in intron 10 of the CHRNG gene. It is expected to disrupt RNA splicing. Variants that disrupt the donor or acceptor splice site typically lead to a loss of protein function (PMID: 16199547), and loss-of-function variants in CHRNG are known to be pathogenic (PMID: 16826520). This variant has not been reported in the literature in individuals affected with CHRNG-related conditions.

Literature cited by the submitters: PubMed 16199547; PubMed 16826520.

NM_005199.5(CHRNG):c.1250-1G>C

Genes: CHRNG (cholinergic receptor nicotinic gamma subunit; plus strand), TIGD1 (tigger transposable element derived 1; minus strand). Cytogenetic location: 2q37.1.
Variant type: single nucleotide variant.
Coding change: c.1250-1G>C on transcript NM_005199.5 (MANE Select); the canonical splice acceptor site of the intron before coding-DNA position 1250, G replaced by C.
Molecular consequence: splice acceptor variant. On other transcripts: 3 prime UTR variant (1).
Genome position (GRCh38, 1-based): chr2:232,544,771, G>C. VCF-style: chr2-232544771-G-C. GRCh37 (hg19) VCF-style: chr2-233409481-G-C.
Other names: c.*3336C>G (NM_145702.4).
Identifiers: ClinVar variation 2919325 (VCV002919325.3), dbSNP rs2469755431, ClinGen allele CA351016392.